The following is an entry in ClinVar:

ClinVar aggregate classification (germline): Uncertain significance (1 of 4 stars; one submission).

Conditions:
Hereditary cancer-predisposing syndrome. Also called: Neoplastic Syndromes, Hereditary; Tumor predisposition; Hereditary Cancer Syndrome; Hereditary neoplastic syndrome. Identifiers: Orphanet 140162, MedGen C0027672, MeSH D009386, MONDO:0015356.

Submission:

Ambry Genetics
Classification: Uncertain significance for Hereditary cancer-predisposing syndrome. Last evaluated: 2026-05-14. Review status: criteria provided, single submitter. Criteria: Ambry Variant Classification Scheme 2023. Collection method: clinical testing. Allele origin: germline.
Comment: The p.D853E variant (also known as c.2559T>A), located in coding exon 9 of the BRCA1 gene, results from a T to A substitution at nucleotide position 2559. The aspartic acid at codon 853 is replaced by glutamic acid, an amino acid with highly similar properties. This amino acid position is conserved. In addition, the in silico prediction for this alteration is inconclusive. Based on the available evidence, the clinical significance of this variant remains unclear.

NM_007294.4(BRCA1):c.2559T>A (p.Asp853Glu)

Gene: BRCA1 (BRCA1 DNA repair associated; minus strand). Cytogenetic location: 17q21.31.
Variant type: single nucleotide variant.
Coding change: c.2559T>A on transcript NM_007294.4 (MANE Select); coding-DNA position 2559, T replaced by A.
Protein change: p.Asp853Glu; replaces aspartic acid 853 with glutamic acid.
Molecular consequence: missense variant. On other transcripts: intron variant (137).
Genome position (GRCh38, 1-based): chr17:43,092,972, A>T on the plus strand (T>A on the coding strand, the complement: BRCA1 is on the minus strand). VCF-style: chr17-43092972-A-T. GRCh37 (hg19) VCF-style: chr17-41244989-A-T.
Other names: c.2415T>A, p.Asp805Glu (NM_001407839.1, NM_001407841.1, NM_001407842.1 and 20 more transcripts); c.2418T>A, p.Asp806Glu (NM_001407735.1, NM_001407736.1, NM_001407737.1 and 29 more transcripts); c.787+1772T>A (NM_001407974.1, NM_001407973.1, NM_001408403.1 and 17 more transcripts); c.788-833T>A (NM_001407969.1, NM_001407968.1); c.577+1772T>A (NM_001408492.1, NM_001408513.1, NM_001408489.1 and 9 more transcripts); c.643+1772T>A (NM_001408468.1, NM_001408470.1, NM_001408464.1 and 3 more transcripts); c.523+1772T>A (NM_001408501.1, NM_001408500.1, NM_001408497.1 and 3 more transcripts); c.646+1772T>A (NM_001408455.1, NM_001408466.1, NM_001408452.1 and 11 more transcripts); and 41 more; short protein forms D557E, D685E, D725E, D726E, D741E, D742E, D764E, D765E.
Identifiers: ClinVar variation 4867738 (VCV004867738.1).